The following is an entry in ClinVar:

ClinVar aggregate classification (germline): Uncertain significance (1 of 4 stars; one submission).

Conditions:
Generalized epilepsy with febrile seizures plus, type 7 (GEFSP7). Also called: GEFS+, TYPE 7. Identifiers: Orphanet 36387, MedGen C2751778, MONDO:0013470, OMIM 613863.
Neuropathy, hereditary sensory and autonomic, type 2A (HSAN2A). Also called: ACROOSTEOLYSIS, GIACCAI TYPE; ACROOSTEOLYSIS, NEUROGENIC; HSAN IIA; WNK1-Related HSAN2 (HSAN2A); MORVAN DISEASE; NEUROPATHY, CONGENITAL SENSORY. Identifiers: Orphanet 970, MedGen C2752089, MONDO:0024309, OMIM 201300.

Allele frequency attached by ClinVar (database versions not stated): ExAC 0.00001.

Submission:

Labcorp Genetics (formerly Invitae), Labcorp
Classification: Uncertain significance for Neuropathy, hereditary sensory and autonomic, type 2A; Generalized epilepsy with febrile seizures plus, type 7. Last evaluated: 2025-05-18. Review status: criteria provided, single submitter. Criteria: Invitae Variant Classification Sherloc (09022015). Collection method: clinical testing. Allele origin: germline.
Comment: This sequence change replaces glutamic acid, which is acidic and polar, with aspartic acid, which is acidic and polar, at codon 1878 of the SCN9A protein (p.Glu1878Asp). This variant is present in population databases (rs201035087, gnomAD 0.0009%). This variant has not been reported in the literature in individuals affected with SCN9A-related conditions. ClinVar contains an entry for this variant (Variation ID: 2924586). Invitae Evidence Modeling of protein sequence and biophysical properties (such as structural, functional, and spatial information, amino acid conservation, physicochemical variation, residue mobility, and thermodynamic stability) has been performed for this missense variant. However, the output from this modeling did not meet the statistical confidence thresholds required to predict the impact of this variant on SCN9A protein function. In summary, the available evidence is currently insufficient to determine the role of this variant in disease. Therefore, it has been classified as a Variant of Uncertain Significance.

NM_001365536.1(SCN9A):c.5667G>C (p.Glu1889Asp)

Genes: SCN1A-AS1 (SCN1A and SCN9A antisense RNA 1; plus strand), SCN9A (sodium voltage-gated channel alpha subunit 9; minus strand). Cytogenetic location: 2q24.3.
Variant type: single nucleotide variant.
Coding change: c.5667G>C on transcript NM_001365536.1 (MANE Select); coding-DNA position 5667, G replaced by C.
Protein change: p.Glu1889Asp; replaces glutamic acid 1889 with aspartic acid.
Molecular consequence: missense variant.
Genome position (GRCh38, 1-based): chr2:166,198,972, C>G on the plus strand (G>C on the coding strand, the complement: SCN9A is on the minus strand). VCF-style: chr2-166198972-C-G. GRCh37 (hg19) VCF-style: chr2-167055482-C-G.
Other names: c.5634G>C, p.Glu1878Asp (NM_002977.4); short protein forms E1889D, E1878D.
Identifiers: ClinVar variation 2924586 (VCV002924586.3), dbSNP rs201035087, ClinGen allele CA1943640.